The following is an entry in ClinVar:

NM_007118.4(TRIO):c.9162C>T (p.Asn3054=)

Gene: TRIO (trio Rho guanine nucleotide exchange factor; plus strand). Cytogenetic location: 5p15.2.
Variant type: single nucleotide variant.
Coding change: c.9162C>T on transcript NM_007118.4 (MANE Select); coding-DNA position 9162, C replaced by T.
Protein change: p.Asn3054=; no amino-acid change (asparagine 3054 retained).
Molecular consequence: synonymous variant. On other transcripts: non-coding transcript variant (1).
Genome position (GRCh38, 1-based): chr5:14,508,290, C>T. VCF-style: chr5-14508290-C-T. GRCh37 (hg19) VCF-style: chr5-14508399-C-T.
Identifiers: ClinVar variation 1207566 (VCV001207566.19), dbSNP rs150493969, ClinGen allele CA3208056.

ClinVar aggregate classification (germline): Likely benign. Review status: criteria provided, multiple submitters, no conflicts (2 of 4 stars). 2 submissions from 2 submitters: Likely benign (2). Last evaluated 2024-08-01.

Allele frequency attached by ClinVar (database versions not stated): gnomAD exomes 0.00005 and 0.00010; gnomAD 0.00006; ExAC 0.00008; TOPMed 0.00008; ESP Exome Variant Server 0.00015; 1000 Genomes Project 30x 0.00016; 1000 Genomes Project 0.00020.
gnomAD v4.1: 85 of 1,613,860 alleles (0.0053%); highest among the groups gnomAD compares: Admixed American, 0.035%; no homozygotes.

Submissions (2):

CeGaT Center for Human Genetics Tuebingen
Classification: Likely benign. Last evaluated: 2024-08-01. Review status: criteria provided, single submitter. Criteria: CeGaT Center For Human Genetics Tuebingen Variant Classification Criteria Version 2. Collection method: clinical testing. Allele origin: germline. Affected: yes. Observed: 1 variant allele.
Comment: TRIO: BP4, BP7

GeneDx
Classification: Likely benign. Last evaluated: 2020-11-02. Review status: criteria provided, single submitter. Criteria: GeneDx Variant Classification Process June 2021. Collection method: clinical testing. Allele origin: germline. Affected: yes.